The following is an entry in ClinVar:

ClinVar aggregate classification (germline): Uncertain significance (1 of 4 stars; one submission).

Conditions:
POLD1-related polyposis and colorectal cancer syndrome (CRCS10). Also called: Colorectal cancer 10; COLORECTAL CANCER, SUSCEPTIBILITY TO, ON CHROMOSOME 19q; Colorectal cancer, susceptibility to, 10. Identifiers: Orphanet 220460, MedGen C2675481, MONDO:0012953, OMIM 612591.

Submission:

Labcorp Genetics (formerly Invitae), Labcorp
Classification: Uncertain significance for POLD1-related polyposis and colorectal cancer syndrome. Last evaluated: 2024-06-10. Review status: criteria provided, single submitter. Criteria: Invitae Variant Classification Sherloc (09022015). Collection method: clinical testing. Allele origin: germline.
Comment: This sequence change affects codon 855 of the POLD1 mRNA. It is a 'silent' change, meaning that it does not change the encoded amino acid sequence of the POLD1 protein. It affects a nucleotide within the consensus splice site. This variant is not present in population databases (gnomAD no frequency). This variant has not been reported in the literature in individuals affected with POLD1-related conditions. Algorithms developed to predict the effect of sequence changes on RNA splicing suggest that this variant is not likely to affect RNA splicing. In summary, the available evidence is currently insufficient to determine the role of this variant in disease. Therefore, it has been classified as a Variant of Uncertain Significance.

NM_002691.4(POLD1):c.2565A>T (p.Arg855=)

Gene: POLD1 (DNA polymerase delta 1, catalytic subunit; plus strand). Cytogenetic location: 19q13.33.
Variant type: single nucleotide variant.
Coding change: c.2565A>T on transcript NM_002691.4 (MANE Select); coding-DNA position 2565, A replaced by T.
Protein change: p.Arg855=; no amino-acid change (arginine 855 retained).
Molecular consequence: synonymous variant. On other transcripts: non-coding transcript variant (1).
Genome position (GRCh38, 1-based): chr19:50,415,438, A>T. VCF-style: chr19-50415438-A-T. GRCh37 (hg19) VCF-style: chr19-50918695-A-T.
Other names: c.2565A>T, p.Arg855= (NM_001256849.1); c.2643A>T, p.Arg881= (NM_001308632.1).
Identifiers: ClinVar variation 3623734 (VCV003623734.2).